The following is an entry in ClinVar:

NM_001605.3(AARS1):c.1567C>T (p.Gln523Ter)

Gene: AARS1 (alanyl-tRNA synthetase 1; minus strand). Cytogenetic location: 16q22.1.
Variant type: single nucleotide variant.
Coding change: c.1567C>T on transcript NM_001605.3 (MANE Select); coding-DNA position 1567, C replaced by T.
Protein change: p.Gln523Ter; replaces glutamine 523 with a stop codon.
Molecular consequence: nonsense.
Genome position (GRCh38, 1-based): chr16:70,262,450, G>A on the plus strand (C>T on the coding strand, the complement: AARS1 is on the minus strand). VCF-style: chr16-70262450-G-A. GRCh37 (hg19) VCF-style: chr16-70296353-G-A.
Other names: short protein forms Q523*.
Identifiers: ClinVar variation 3659888 (VCV003659888.2).

ClinVar aggregate classification (germline): Pathogenic (1 of 4 stars; one submission).

Conditions:
Charcot-Marie-Tooth disease type 2. Also called: Charcot-Marie-Tooth type 2. Identifiers: Orphanet 64746, MedGen C0270914, MONDO:0018993.

Submission:

Labcorp Genetics (formerly Invitae), Labcorp
Classification: Pathogenic for Charcot-Marie-Tooth disease type 2. Last evaluated: 2024-07-19. Review status: criteria provided, single submitter. Criteria: Invitae Variant Classification Sherloc (09022015). Collection method: clinical testing. Allele origin: germline.
Comment: This sequence change creates a premature translational stop signal (p.Gln523*) in the AARS gene. It is expected to result in an absent or disrupted protein product. Loss-of-function variants in AARS are known to be pathogenic (PMID: 25817015, 28493438, 34446925). This variant is not present in population databases (gnomAD no frequency). This variant has not been reported in the literature in individuals affected with AARS-related conditions. For these reasons, this variant has been classified as Pathogenic.

Literature cited by the submitters: PubMed 25817015; PubMed 28493438; PubMed 34446925.